The following is an entry in ClinVar:

ClinVar aggregate classification (germline): Uncertain significance (1 of 4 stars; one submission).

Conditions:
Autoimmune lymphoproliferative syndrome type 1. Also called: AUTOIMMUNE LYMPHOPROLIFERATIVE SYNDROME, TYPE I, AUTOSOMAL DOMINANT. Identifiers: Orphanet 3261, MedGen C2717884, MONDO:0011158, OMIM 601859.

gnomAD v4.1: 1 of 1,611,638 alleles (0.000062%); highest among the groups gnomAD compares: Admixed American, 0.0017%; no homozygotes.

Submission:

Labcorp Genetics (formerly Invitae), Labcorp
Classification: Uncertain significance for Autoimmune lymphoproliferative syndrome. Last evaluated: 2024-04-29. Review status: criteria provided, single submitter. Criteria: Invitae Variant Classification Sherloc (09022015). Collection method: clinical testing. Allele origin: germline.
Comment: This sequence change replaces threonine, which is neutral and polar, with isoleucine, which is neutral and non-polar, at codon 219 of the FAS protein (p.Thr219Ile). This variant is present in population databases (no rsID available, gnomAD 0.003%). This variant has not been reported in the literature in individuals affected with FAS-related conditions. Algorithms developed to predict the effect of missense changes on protein structure and function output the following: SIFT: "Not Available"; PolyPhen-2: "Benign"; Align-GVGD: "Not Available". The isoleucine amino acid residue is found in multiple mammalian species, which suggests that this missense change does not adversely affect protein function. Algorithms developed to predict the effect of sequence changes on RNA splicing suggest that this variant may disrupt the consensus splice site. In summary, the available evidence is currently insufficient to determine the role of this variant in disease. Therefore, it has been classified as a Variant of Uncertain Significance.

NM_000043.6(FAS):c.656C>T (p.Thr219Ile)

Gene: FAS (Fas cell surface death receptor; plus strand). Cytogenetic location: 10q23.31.
Variant type: single nucleotide variant.
Coding change: c.656C>T on transcript NM_000043.6 (MANE Select); coding-DNA position 656, C replaced by T.
Protein change: p.Thr219Ile; replaces threonine 219 with isoleucine.
Molecular consequence: missense variant. On other transcripts: synonymous variant (1), non-coding transcript variant (7), intron variant (1).
Genome position (GRCh38, 1-based): chr10:89,013,347, C>T. VCF-style: chr10-89013347-C-T. GRCh37 (hg19) VCF-style: chr10-90773104-C-T.
Other names: c.573C>T, p.Asn191= (NM_001320619.2); c.701C>T, p.Thr234Ile (NM_001410956.1); c.593C>T, p.Thr198Ile (NM_152871.4); c.652-772C>T (NM_152872.4); short protein forms T198I, T219I, T234I.
Identifiers: ClinVar variation 3696387 (VCV003696387.2).